The following is an entry in ClinVar:

ClinVar aggregate classification (germline): Uncertain significance (1 of 4 stars; one submission).

Conditions:
P2RX2-related disorder. Also called: P2RX2-related condition.

Submission:

PreventionGenetics, part of Exact Sciences
Classification: Uncertain significance for P2RX2-related condition. Last evaluated: 2026-03-23. Review status: criteria provided, single submitter. Criteria: ACMG Guidelines, 2015. Collection method: clinical testing. Allele origin: germline.
Comment: The P2RX2 c.1387C>T variant is predicted to result in the amino acid substitution p.Arg463Trp. To our knowledge, this variant has not been reported in the literature. This variant is reported in 0.0087% of alleles in individuals of Latino descent in gnomAD. At this time, the clinical significance of this variant is uncertain due to the absence of conclusive functional and genetic evidence.

NM_170682.4(P2RX2):c.1309C>T (p.Arg437Trp)

Gene: P2RX2 (purinergic receptor P2X 2; plus strand). Cytogenetic location: 12q24.33.
Variant type: single nucleotide variant.
Coding change: c.1309C>T on transcript NM_170682.4 (MANE Select); coding-DNA position 1309, C replaced by T.
Protein change: p.Arg437Trp; replaces arginine 437 with tryptophan.
Molecular consequence: missense variant. On other transcripts: 3 prime UTR variant (1), intron variant (2).
Genome position (GRCh38, 1-based): chr12:132,621,865, C>T. VCF-style: chr12-132621865-C-T. GRCh37 (hg19) VCF-style: chr12-133198451-C-T.
Other names: c.*356C>T (NM_001282165.2); c.1093C>T, p.Arg365Trp (NM_012226.5); c.1237C>T, p.Arg413Trp (NM_016318.4); c.1387C>T, p.Arg463Trp (NM_170683.4); c.1033C>T, p.Arg345Trp (NM_174872.3); c.1141-33C>T (NM_174873.3); c.1039-33C>T (NM_001282164.2); short protein forms R345W, R365W, R437W, R413W, R463W.
Identifiers: ClinVar variation 4980135 (VCV004980135.1).